The following is an entry in ClinVar:

ClinVar aggregate classification (germline): Uncertain significance (1 of 4 stars; one submission).

Allele frequency attached by ClinVar (database versions not stated): gnomAD exomes below 0.00001 and 0.00001; TOPMed below 0.00001; gnomAD 0.00001.

Submission:

Labcorp Genetics (formerly Invitae), Labcorp
Classification: Uncertain significance. Last evaluated: 2021-01-11. Review status: criteria provided, single submitter. Criteria: Invitae Variant Classification Sherloc (09022015). Collection method: clinical testing. Allele origin: germline.
Comment: This sequence change replaces proline with arginine at codon 100 of the COL18A1 protein (p.Pro100Arg). The proline residue is moderately conserved and there is a moderate physicochemical difference between proline and arginine. In summary, the available evidence is currently insufficient to determine the role of this variant in disease. Therefore, it has been classified as a Variant of Uncertain Significance. Experimental studies and prediction algorithms are not available or were not evaluated, and the functional significance of this variant is currently unknown. This variant has not been reported in the literature in individuals with COL18A1-related conditions. This variant is not present in population databases (ExAC no frequency).

NM_001379500.1(COL18A1):c.299C>G (p.Pro100Arg)

Gene: COL18A1 (collagen type XVIII alpha 1 chain; plus strand). Cytogenetic location: 21q22.3.
Variant type: single nucleotide variant.
Coding change: c.299C>G on transcript NM_001379500.1 (MANE Select); coding-DNA position 299, C replaced by G.
Protein change: p.Pro100Arg; replaces proline 100 with arginine.
Molecular consequence: missense variant.
Genome position (GRCh38, 1-based): chr21:45,468,434, C>G. VCF-style: chr21-45468434-C-G. GRCh37 (hg19) VCF-style: chr21-46888348-C-G.
Other names: c.839C>G, p.Pro280Arg (NM_030582.4); c.1544C>G, p.Pro515Arg (NM_130444.3); short protein forms P515R, P100R, P280R.
Identifiers: ClinVar variation 1501746 (VCV001501746.6), dbSNP rs1341881526, ClinGen allele CA410511761.